The following is an entry in ClinVar:

ClinVar aggregate classification (germline): Uncertain significance. Review status: criteria provided, multiple submitters, no conflicts (2 of 4 stars). 3 submissions from 3 submitters: Uncertain significance (3). Last evaluated 2025-09-20.

Conditions:
Hereditary cancer-predisposing syndrome. Also called: Tumor predisposition; Hereditary neoplastic syndrome; Neoplastic Syndromes, Hereditary; Hereditary Cancer Syndrome. Identifiers: Orphanet 140162, MedGen C0027672, MeSH D009386, MONDO:0015356.
Cardiovascular phenotype. Identifiers: MedGen CN230736.
Neurofibromatosis, type 1 (NF1). Also called: VON RECKLINGHAUSEN DISEASE; Peripheral type neurofibromatosis; Neurofibromatosis, type I; NEUROFIBROMATOSIS, TYPE I, SOMATIC. Identifiers: Orphanet 636, MedGen C0027831, MONDO:0018975, OMIM 162200. Disease mechanism: loss of function.

Allele frequency attached by ClinVar (database versions not stated): gnomAD exomes below 0.00001; TOPMed below 0.00001.
gnomAD v4.1: 1 of 1,609,538 alleles (0.000062%); highest among the groups gnomAD compares: Non-Finnish European, 0.000085%; no homozygotes.

Submissions (3):

Labcorp Genetics (formerly Invitae), Labcorp
Classification: Uncertain significance for Neurofibromatosis, type 1. Last evaluated: 2025-09-20. Review status: criteria provided, single submitter. Criteria: Invitae Variant Classification Sherloc (09022015). Collection method: clinical testing. Allele origin: germline.
Comment: This sequence change replaces lysine, which is basic and polar, with glutamic acid, which is acidic and polar, at codon 490 of the NF1 protein (p.Lys490Glu). This variant is not present in population databases (gnomAD no frequency). This variant has not been reported in the literature in individuals affected with NF1-related conditions. ClinVar contains an entry for this variant (Variation ID: 1400995). Invitae Evidence Modeling of protein sequence and biophysical properties (such as structural, functional, and spatial information, amino acid conservation, physicochemical variation, residue mobility, and thermodynamic stability) indicates that this missense variant is expected to disrupt NF1 protein function with a positive predictive value of 80%. In summary, the available evidence is currently insufficient to determine the role of this variant in disease. Therefore, it has been classified as a Variant of Uncertain Significance.

Ambry Genetics
Classification: Uncertain significance for Cardiovascular phenotype; Hereditary cancer-predisposing syndrome. Last evaluated: 2024-12-06. Review status: criteria provided, single submitter. Criteria: Ambry Variant Classification Scheme 2023. Collection method: clinical testing. Allele origin: germline.
Comment: The p.K490E variant (also known as c.1468A>G), located in coding exon 13 of the NF1 gene, results from an A to G substitution at nucleotide position 1468. The lysine at codon 490 is replaced by glutamic acid, an amino acid with similar properties. This amino acid position is highly conserved in available vertebrate species. In addition, the in silico prediction for this alteration is inconclusive. Since supporting evidence is limited at this time, the clinical significance of this alteration remains unclear.

Blueprint Genetics
Classification: Uncertain significance. Last evaluated: 2023-11-14. Review status: criteria provided, single submitter. Criteria: ACMG Guidelines, 2015. Collection method: clinical testing. Allele origin: germline.

NM_001042492.3(NF1):c.1468A>G (p.Lys490Glu)

Gene: NF1 (neurofibromin 1; plus strand). Cytogenetic location: 17q11.2.
Variant type: single nucleotide variant.
Coding change: c.1468A>G on transcript NM_001042492.3 (MANE Select); coding-DNA position 1468, A replaced by G.
Protein change: p.Lys490Glu; replaces lysine 490 with glutamic acid.
Molecular consequence: missense variant.
Genome position (GRCh38, 1-based): chr17:31,214,526, A>G. VCF-style: chr17-31214526-A-G. GRCh37 (hg19) VCF-style: chr17-29541544-A-G.
Other names: c.1468A>G, p.Lys490Glu (NM_000267.4, NM_001128147.3); short protein forms K490E.
Identifiers: ClinVar variation 1400995 (VCV001400995.12), dbSNP rs1181298067, ClinGen allele CA399001578.
Genomic context (GRCh38, chr17:31,214,526, plus strand): 5'-GAAAAAGTAACAAGCCTTAAATTTAAAGAAAAACCTACAGACCTGGAGACAAGAAGCTAT[A>G]AGTATCTTCTCTTGTCCATGGTGAAACTAATTCATGCAGATCCAAAGCTCTTGCTTTGTG-3'
Protein context (NP_001035957.1, residues 480-500): KPTDLETRSY[Lys490Glu]YLLLSMVKLI